The following is an entry in ClinVar:

ClinVar aggregate classification (germline): Uncertain significance (1 of 4 stars; one submission).

Submission:

Labcorp Genetics (formerly Invitae), Labcorp
Classification: Uncertain significance. Last evaluated: 2024-04-18. Review status: criteria provided, single submitter. Criteria: Invitae Variant Classification Sherloc (09022015). Collection method: clinical testing. Allele origin: germline.
Comment: This sequence change replaces glycine, which is neutral and non-polar, with aspartic acid, which is acidic and polar, at codon 724 of the COL11A2 protein (p.Gly724Asp). This variant is not present in population databases (gnomAD no frequency). This variant has not been reported in the literature in individuals affected with COL11A2-related conditions. An algorithm developed to predict the effect of missense changes on protein structure and function (PolyPhen-2) suggests that this variant is likely to be disruptive. In summary, the available evidence is currently insufficient to determine the role of this variant in disease. Therefore, it has been classified as a Variant of Uncertain Significance.

NM_080680.3(COL11A2):c.2171G>A (p.Gly724Asp)

Gene: COL11A2 (collagen type XI alpha 2 chain; minus strand). Cytogenetic location: 6p21.32.
Variant type: single nucleotide variant.
Coding change: c.2171G>A on transcript NM_080680.3 (MANE Select); coding-DNA position 2171, G replaced by A.
Protein change: p.Gly724Asp; replaces glycine 724 with aspartic acid.
Molecular consequence: missense variant.
Genome position (GRCh38, 1-based): chr6:33,176,302, C>T on the plus strand (G>A on the coding strand, the complement: COL11A2 is on the minus strand). VCF-style: chr6-33176302-C-T. GRCh37 (hg19) VCF-style: chr6-33144079-C-T.
Other names: c.1991G>A, p.Gly664Asp (NM_001424108.1); c.1325G>A, p.Gly442Asp (NM_001424109.1); c.1145G>A, p.Gly382Asp (NM_001424110.1, NM_001424111.1); c.125G>A, p.Gly42Asp (NM_001424112.1); c.1850G>A, p.Gly617Asp (NM_080679.3); c.1913G>A, p.Gly638Asp (NM_080681.3); short protein forms G617D, G638D, G382D, G42D, G442D, G664D, G724D.
Identifiers: ClinVar variation 3022039 (VCV003022039.3), dbSNP rs1304110232, ClinGen allele CA363649447.
Genomic context (GRCh38, chr6:33,176,302, plus strand): 5'-GGGGGCATGGTGCTCACCTTCTCACCCTTATGACCCTTCAGACCCCGAATTCCGTCCACA[C>T]CCTAGAATTAGAGAGGGGATAGAAGTAGACTGATCAGGGGATGGAGGTGGGTTGGAAGGA-3'
Protein context (NP_542411.2, residues 714-734): LGYPGPRGVK[Gly724Asp]VDGIRGLKGH